The following is an entry in ClinVar:

NM_022828.5(YTHDC2):c.3156T>C (p.Cys1052=)

Gene: YTHDC2 (YTH N6-methyladenosine RNA binding protein C2; plus strand). Cytogenetic location: 5q22.2.
Variant type: single nucleotide variant.
Coding change: c.3156T>C on transcript NM_022828.5 (MANE Select); coding-DNA position 3156, T replaced by C.
Protein change: p.Cys1052=; no amino-acid change (cysteine 1052 retained).
Molecular consequence: synonymous variant.
Genome position (GRCh38, 1-based): chr5:113,567,761, T>C. VCF-style: chr5-113567761-T-C. GRCh37 (hg19) VCF-style: chr5-112903458-T-C.
Other names: c.2670T>C, p.Cys890= (NM_001345975.2); c.2256T>C, p.Cys752= (NM_001345976.2).
Identifiers: ClinVar variation 3041810 (VCV003041810.2), dbSNP rs776080679, ClinGen allele CA3372361.

ClinVar aggregate classification (germline): Likely benign (0 of 4 stars; one submission).

Conditions:
YTHDC2-related disorder. Also called: YTHDC2-related condition.

Allele frequency attached by ClinVar (database versions not stated): ExAC 0.00001; gnomAD 0.00001; TOPMed 0.00001.
gnomAD v4.1: 4 of 1,610,248 alleles (0.00025%); highest among the groups gnomAD compares: Admixed American, 0.0034%; no homozygotes.

Submission:

PreventionGenetics, part of Exact Sciences
Classification: Likely benign for YTHDC2-related condition. Last evaluated: 2019-05-08. Review status: no assertion criteria provided. Collection method: clinical testing. Allele origin: germline.
Comment: This variant is classified as likely benign based on ACMG/AMP sequence variant interpretation guidelines (Richards et al. 2015 PMID: 25741868, with internal and published modifications).